The following is an entry in ClinVar:

ClinVar aggregate classification (germline): Uncertain significance. Review status: criteria provided, multiple submitters, no conflicts (2 of 4 stars). 5 submissions from 4 submitters: Uncertain significance (5). Last evaluated 2023-08-07.

Conditions:
Cardiovascular phenotype. Identifiers: MedGen CN230736.
Hereditary cancer-predisposing syndrome. Also called: Hereditary Cancer Syndrome; Neoplastic Syndromes, Hereditary; Tumor predisposition; Hereditary neoplastic syndrome. Identifiers: Orphanet 140162, MedGen C0027672, MeSH D009386, MONDO:0015356.
Neurofibromatosis, type 1 (NF1). Also called: Neurofibromatosis, type I; VON RECKLINGHAUSEN DISEASE; NEUROFIBROMATOSIS, TYPE I, SOMATIC; Peripheral type neurofibromatosis. Identifiers: Orphanet 636, MedGen C0027831, MONDO:0018975, OMIM 162200. Disease mechanism: loss of function.
Juvenile myelomonocytic leukemia (JMML). Also called: LEUKEMIA, JUVENILE MYELOMONOCYTIC, SOMATIC. Identifiers: Orphanet 86834, MedGen C0349639, MONDO:0011908, OMIM 607785, HP:0012209.

Allele frequency attached by ClinVar (database versions not stated): TOPMed below 0.00001.

Submissions (5):

Baylor Genetics
Classification: Uncertain significance for Juvenile myelomonocytic leukemia. Last evaluated: 2023-08-07. Review status: criteria provided, single submitter. Criteria: ACMG Guidelines, 2015. Collection method: clinical testing. Allele origin: unknown.

Genome-Nilou Lab
Classification: Uncertain significance for Neurofibromatosis, type 1. Last evaluated: 2022-03-15. Review status: criteria provided, single submitter. Criteria: ACMG Guidelines, 2015. Collection method: clinical testing. Allele origin: germline. Affected: no.

Labcorp Genetics (formerly Invitae), Labcorp
Classification: Uncertain significance for Neurofibromatosis, type 1. Last evaluated: 2021-08-17. Review status: criteria provided, single submitter. Criteria: Invitae Variant Classification Sherloc (09022015). Collection method: clinical testing. Allele origin: germline.
Comment: This sequence change replaces valine with isoleucine at codon 2450 of the NF1 protein (p.Val2450Ile). The valine residue is moderately conserved and there is a small physicochemical difference between valine and isoleucine. This variant is not present in population databases (ExAC no frequency). This variant has not been reported in the literature in individuals affected with NF1-related conditions. ClinVar contains an entry for this variant (Variation ID: 233004). Advanced modeling of protein sequence and biophysical properties (such as structural, functional, and spatial information, amino acid conservation, physicochemical variation, residue mobility, and thermodynamic stability) performed at Invitae indicates that this missense variant is not expected to disrupt NF1 protein function. In summary, the available evidence is currently insufficient to determine the role of this variant in disease. Therefore, it has been classified as a Variant of Uncertain Significance.

Ambry Genetics
Classification: Uncertain significance for Cardiovascular phenotype; Hereditary cancer-predisposing syndrome. Last evaluated: 2019-11-07. Review status: criteria provided, single submitter. Criteria: Ambry Variant Classification Scheme 2023. Collection method: clinical testing. Allele origin: germline.

Ambry Genetics
Classification: Uncertain significance for Hereditary cancer-predisposing syndrome. Last evaluated: 2015-07-17. Review status: criteria provided, single submitter. Criteria: Ambry Autosomal Dominant and X-Linked criteria (10/2015). Collection method: clinical testing. Allele origin: germline. Observed: 1 variant allele.
Comment: The p.V2471I variant (also known as c.7411G>A), located in coding exon 50 of the NF1 gene, results from a G to A substitution at nucleotide position 7411. The valine at codon 2471 is replaced by isoleucine, an amino acid with highly similar properties. This variant was not reported in population based cohorts in the following databases: Database of Single Nucleotide Polymorphisms (dbSNP), NHLBI Exome Sequencing Project (ESP), and 1000 Genomes Project. In the ESP, this variant was not observed in 6503 samples (13006 alleles) with coverage at this position. To date, this alteration has been detected with an allele frequency of approximately 0.002% (greater than 55000alleles tested) in our clinical cohort.This amino acid position is well conserved in available vertebrate species. In addition, this alteration is predicted to be tolerated by in silico analysis.Since supporting evidence is limited at this time, the clinical significance of p.V2471Iremains unclear.

NM_001042492.3(NF1):c.7411G>A (p.Val2471Ile)

Gene: NF1 (neurofibromin 1; plus strand). Cytogenetic location: 17q11.2.
Variant type: single nucleotide variant.
Coding change: c.7411G>A on transcript NM_001042492.3 (MANE Select); coding-DNA position 7411, G replaced by A.
Protein change: p.Val2471Ile; replaces valine 2471 with isoleucine.
Molecular consequence: missense variant.
Genome position (GRCh38, 1-based): chr17:31,350,272, G>A. VCF-style: chr17-31350272-G-A. GRCh37 (hg19) VCF-style: chr17-29677290-G-A.
Other names: c.7348G>A, p.Val2450Ile (NM_000267.4); short protein forms V2450I, V2471I.
Identifiers: ClinVar variation 233004 (VCV000233004.10), dbSNP rs876660126, ClinGen allele CA10580407.